The following is an entry in ClinVar:

NM_032830.3(UTP4):c.928G>A (p.Val310Ile)

Gene: UTP4 (UTP4 small subunit processome component). Cytogenetic location: 16q22.1.
Variant type: single nucleotide variant.
Coding change: c.928G>A on transcript NM_032830.3 (MANE Select); coding-DNA position 928, G replaced by A.
Protein change: p.Val310Ile; replaces valine 310 with isoleucine.
Molecular consequence: missense variant.
Genome position (GRCh38, 1-based): chr16:69,150,830, G>A. VCF-style: chr16-69150830-G-A. GRCh37 (hg19) VCF-style: chr16-69184733-G-A.
Other names: c.679G>A, p.Val227Ile (NM_001318391.2); short protein forms V227I, V310I.
Identifiers: ClinVar variation 2126290 (VCV002126290.4), dbSNP rs2544401202, ClinGen allele CA396499789.
Genomic context (GRCh38, chr16:69,150,830, plus strand): 5'-GGATGACTTCTAATTCTGTACACCTTCTCCCCTGCTTTCCCAGGCACTGACACCCACTTA[G>A]TCTTTCGTCCTCTCATGGAGAAGGTGGAAGTAAAGAATTACGATGCCGCTCTCCGAAAAA-3'
Protein context (NP_116219.2, residues 300-320): LISGGTDTHL[Val310Ile]FRPLMEKVEV

ClinVar aggregate classification (germline): Uncertain significance (1 of 4 stars; one submission).

Allele frequency attached by ClinVar (database versions not stated): gnomAD exomes below 0.00001.

Submission:

Labcorp Genetics (formerly Invitae), Labcorp
Classification: Uncertain significance. Last evaluated: 2022-04-15. Review status: criteria provided, single submitter. Criteria: Invitae Variant Classification Sherloc (09022015). Collection method: clinical testing. Allele origin: germline.
Comment: In summary, the available evidence is currently insufficient to determine the role of this variant in disease. Therefore, it has been classified as a Variant of Uncertain Significance. Algorithms developed to predict the effect of missense changes on protein structure and function are either unavailable or do not agree on the potential impact of this missense change (SIFT: "Tolerated"; PolyPhen-2: "Possibly Damaging"; Align-GVGD: "Class C0"). This variant has not been reported in the literature in individuals affected with UTP4-related conditions. This variant is not present in population databases (gnomAD no frequency). This sequence change replaces valine, which is neutral and non-polar, with isoleucine, which is neutral and non-polar, at codon 310 of the UTP4 protein (p.Val310Ile).